The following is an entry in ClinVar:

ClinVar aggregate classification (germline): Conflicting classifications of pathogenicity. Review status: criteria provided, conflicting classifications (1 of 4 stars). 7 submissions from 7 submitters: Uncertain significance (4); Likely benign (2). 1 of the submissions does not count toward it. Last evaluated 2025-12-29.

Conditions:
BRIP1-related disorder. Also called: BRIP1-related condition; BRIP1-related disorders. Identifiers: MedGen CN239206.
Hereditary cancer-predisposing syndrome. Also called: Tumor predisposition; Neoplastic Syndromes, Hereditary; Hereditary neoplastic syndrome; Hereditary Cancer Syndrome. Identifiers: Orphanet 140162, MedGen C0027672, MeSH D009386, MONDO:0015356.
Fanconi anemia complementation group J. Also called: BRIP1-Related Fanconi Anemia. Identifiers: Orphanet 84, MedGen C1836860, MONDO:0012187, OMIM 609054.
Familial cancer of breast. Also called: BREAST CANCER, FAMILIAL; Hereditary breast cancer; hereditary breast carcinoma. Identifiers: Orphanet 227535, MedGen C0346153, MONDO:0016419, OMIM 114480. Disease mechanism: loss of function.
Malignant tumor of breast. Also called: Malignant breast neoplasm; Cancer breast. Identifiers: MedGen C0006142, MONDO:0007254. Disease mechanism: loss of function.

Allele frequency attached by ClinVar (database versions not stated): gnomAD exomes 0.00001 and 0.00003; ExAC 0.00002; gnomAD 0.00002; TOPMed 0.00002.
gnomAD v4.1: 42 of 1,614,008 alleles (0.0026%); highest among the groups gnomAD compares: Non-Finnish European, 0.0035%; no homozygotes.

Submissions (7):

Center for Genomic Medicine, Rigshospitalet, Copenhagen University Hospital
Classification: Uncertain significance. Last evaluated: 2025-12-29. Review status: criteria provided, single submitter. Criteria: ACMG Guidelines, 2015. Collection method: clinical testing. Allele origin: germline.

Labcorp Genetics (formerly Invitae), Labcorp
Classification: Uncertain significance for Familial cancer of breast; Fanconi anemia complementation group J. Last evaluated: 2025-12-14. Review status: criteria provided, single submitter. Criteria: Invitae Variant Classification Sherloc (09022015). Collection method: clinical testing. Allele origin: germline.
Comment: This sequence change replaces glutamic acid, which is acidic and polar, with lysine, which is basic and polar, at codon 1022 of the BRIP1 protein (p.Glu1022Lys). This variant is present in population databases (rs587782808, gnomAD 0.007%). This missense change has been observed in individual(s) with breast cancer (PMID: 26315354, 26921362). ClinVar contains an entry for this variant (Variation ID: 142900). Invitae Evidence Modeling of protein sequence and biophysical properties (such as structural, functional, and spatial information, amino acid conservation, physicochemical variation, residue mobility, and thermodynamic stability) indicates that this missense variant is not expected to disrupt BRIP1 protein function with a negative predictive value of 95%. In summary, the available evidence is currently insufficient to determine the role of this variant in disease. Therefore, it has been classified as a Variant of Uncertain Significance.

PreventionGenetics, part of Exact Sciences
Classification: Uncertain significance for BRIP1-related condition. Last evaluated: 2025-04-02. Review status: criteria provided, single submitter. Criteria: ACMG Guidelines, 2015. Collection method: clinical testing. Allele origin: germline.
Comment: The BRIP1 c.3064G>A variant is predicted to result in the amino acid substitution p.Glu1022Lys. This variant has been reported in individuals with breast or ovarian cancer as well as in control individuals (Table S4, Ramus et al. 2015. PubMed ID: 26315354; Table S1, Easton et al. 2016. PubMed ID: 26921362). This variant is reported in 0.0062% of alleles in individuals of African descent in gnomAD and has conflicting interpretations ranging from likely benign to uncertain significance. Although we suspect that this variant may be benign, at this time, the clinical significance of this variant is uncertain due to the absence of conclusive functional and genetic evidence.

GeneDx
Classification: Uncertain significance. Last evaluated: 2025-02-19. Review status: criteria provided, single submitter. Criteria: GeneDx Variant Classification Process June 2021. Collection method: clinical testing. Allele origin: germline. Affected: yes.
Comment: Not observed at significant frequency in large population cohorts (gnomAD); In silico analysis indicates that this missense variant does not alter protein structure/function; Observed in both cases and controls in breast cancer study, and only in controls in a case-control study of epithelial ovarian cancer (PMID: 26315354, 26921362); This variant is associated with the following publications: (PMID: 26921362, 11301010, 26315354)

Color Diagnostics, LLC DBA Color Health
Classification: Likely benign for Hereditary cancer-predisposing syndrome. Last evaluated: 2024-09-19. Review status: criteria provided, single submitter. Criteria: ACMG Guidelines, 2015. Collection method: clinical testing. Allele origin: germline.

Ambry Genetics
Classification: Likely benign for Hereditary cancer-predisposing syndrome. Last evaluated: 2019-03-06. Review status: criteria provided, single submitter. Criteria: Ambry Variant Classification Scheme 2023. Collection method: clinical testing. Allele origin: germline.

Department of Pathology and Laboratory Medicine, Sinai Health System
Classification: Uncertain significance for Malignant tumor of breast. Review status: no assertion criteria provided. Collection method: clinical testing. Allele origin: unknown. Affected: yes. Study: The Canadian Open Genetics Repository (COGR). Not counted in ClinVar's aggregate classification.
Comment: The BRIP1 p.Glu1022Lys variant was identified in 4 of 33174 proband chromosomes (frequency: 0.0001) from individuals or families with breast or ovarian cancer and was present in 9 of 17458 control chromosomes (frequency: 0.0005) from healthy individuals (Ramus 2015, Easton 2016). The variant was also identified in dbSNP (ID: rs587782808) as "With Uncertain significance allele", in ClinVar (classified as likely benign by Ambry Genetics and uncertain significance by Invitae). The variant was identified in control databases in 3 of 246220 chromosomes at a frequency of 0.00001 (Genome Aggregation Database Feb 27, 2017). The variant was observed in the following populations: African in 1 of 15304 chromosomes (freq: 0.000065), European Non-Finnish in 2 of 111680 chromosomes (freq: 0.00002), while the variant was not observed in the Other, Latino, Ashkenazi Jewish, East Asian, Finnish, and South Asian populations. The p.Glu1022 residue is not conserved in mammals and computational analyses (PolyPhen-2, SIFT, AlignGVGD, BLOSUM, MutationTaster) do not suggest a high likelihood of impact to the protein; however, this information is not predictive enough to rule out pathogenicity. The variant occurs outside of the splicing consensus sequence and in silico or computational prediction software programs (SpliceSiteFinder, MaxEntScan, NNSPLICE, GeneSplicer) do not predict a difference in splicing. In summary, based on the above information the clinical significance of this variant cannot be determined with certainty at this time. This variant is classified as a variant of uncertain significance.

Literature cited by the submitters: PubMed 26315354 (cited by Labcorp Genetics (formerly Invitae), Labcorp); PubMed 26921362 (cited by Labcorp Genetics (formerly Invitae), Labcorp).

NM_032043.3(BRIP1):c.3064G>A (p.Glu1022Lys)

Gene: BRIP1 (BRCA1 interacting DNA helicase 1; minus strand). Cytogenetic location: 17q23.2.
Variant type: single nucleotide variant.
Coding change: c.3064G>A on transcript NM_032043.3 (MANE Select); coding-DNA position 3064, G replaced by A.
Protein change: p.Glu1022Lys; replaces glutamic acid 1022 with lysine.
Molecular consequence: missense variant.
Genome position (GRCh38, 1-based): chr17:61,683,982, C>T on the plus strand (G>A on the coding strand, the complement: BRIP1 is on the minus strand). VCF-style: chr17-61683982-C-T. GRCh37 (hg19) VCF-style: chr17-59761343-C-T.
Other names: short protein forms E1022K.
Identifiers: ClinVar variation 142900 (VCV000142900.26), dbSNP rs587782808, ClinGen allele CA169715.